The following is an entry in ClinVar:

NM_001164508.2(NEB):c.4612G>C (p.Ala1538Pro)

Gene: NEB (nebulin; minus strand). Cytogenetic location: 2q23.3.
Variant type: single nucleotide variant.
Coding change: c.4612G>C on transcript NM_001164508.2 (MANE Select); coding-DNA position 4612, G replaced by C.
Protein change: p.Ala1538Pro; replaces alanine 1538 with proline.
Molecular consequence: missense variant.
Genome position (GRCh38, 1-based): chr2:151,667,911, C>G on the plus strand (G>C on the coding strand, the complement: NEB is on the minus strand). VCF-style: chr2-151667911-C-G. GRCh37 (hg19) VCF-style: chr2-152524425-C-G.
Other names: c.4612G>C, p.Ala1538Pro (NM_001164507.2, NM_001271208.2, NM_004543.5); c.4612G>C (NM_004543.4); short protein forms A1538P.
Identifiers: ClinVar variation 665769 (VCV000665769.10), dbSNP rs781263453, ClinGen allele CA1910570.

ClinVar aggregate classification (germline): Conflicting classifications of pathogenicity. Review status: criteria provided, conflicting classifications (1 of 4 stars). 4 submissions from 4 submitters: Uncertain significance (2); Likely benign (1). 1 of the submissions does not count toward it. Last evaluated 2024-09-22.

Conditions:
Nemaline myopathy 2 (NEM2). Also called: Nemaline myopathy 2, autosomal recessive. Identifiers: MedGen C1850569, MONDO:0009725, OMIM 256030.
Inborn genetic diseases. Identifiers: MedGen C0950123, MeSH D030342.

Allele frequency attached by ClinVar (database versions not stated): gnomAD 0.00005; TOPMed 0.00005; ExAC 0.00005.
gnomAD v4.1: 57 of 1,602,994 alleles (0.0036%); highest among the groups gnomAD compares: Admixed American, 0.0067%; no homozygotes.

Submissions (4):

Revvity Omics, Revvity
Classification: Likely benign. Last evaluated: 2024-09-22. Review status: criteria provided, single submitter. Criteria: ACMG Guidelines, 2015. Collection method: clinical testing. Allele origin: germline.

Labcorp Genetics (formerly Invitae), Labcorp
Classification: Uncertain significance for Nemaline myopathy 2. Last evaluated: 2022-05-27. Review status: criteria provided, single submitter. Criteria: Invitae Variant Classification Sherloc (09022015). Collection method: clinical testing. Allele origin: germline.
Comment: This sequence change replaces alanine, which is neutral and non-polar, with proline, which is neutral and non-polar, at codon 1538 of the NEB protein (p.Ala1538Pro). This variant is present in population databases (rs781263453, gnomAD 0.1%). This variant has not been reported in the literature in individuals affected with NEB-related conditions. ClinVar contains an entry for this variant (Variation ID: 665769). Algorithms developed to predict the effect of missense changes on protein structure and function are either unavailable or do not agree on the potential impact of this missense change (SIFT: "Deleterious"; PolyPhen-2: "Not Available"; Align-GVGD: "Class C0"). In summary, the available evidence is currently insufficient to determine the role of this variant in disease. Therefore, it has been classified as a Variant of Uncertain Significance.

Ambry Genetics
Classification: Uncertain significance for Inborn genetic diseases. Last evaluated: 2020-07-30. Review status: criteria provided, single submitter. Criteria: Ambry Variant Classification Scheme 2023. Collection method: clinical testing. Allele origin: germline.
Comment: The alteration results in an amino acid change:_x000D_ _x000D_ The c.4612G>C (p.A1538P) alteration is located in exon 40 (coding exon 38) of the NEB gene. This alteration results from a G to C substitution at nucleotide position 4612, causing the alanine (A) at amino acid position 1538 to be replaced by a proline (P). The alteration is rare in population databases:_x000D_ _x000D_ Based on data from the Genome Aggregation Database (gnomAD), the NEB c.4612G>C alteration was observed in 0.005% (15/276,480) of total alleles studied, with a frequency of 0.11% (11/10,262) in the Ashkenazi Jewish subpopulation. The altered amino acid is not conserved throughout evolution:_x000D_ _x000D_ The p.A1538 amino acid is not conserved in available vertebrate species. The alteration is predicted tolerated by in silico modeling:_x000D_ _x000D_ The p.A1538P alteration is predicted to be tolerated by in silico analysis. Based on insufficient or conflicting evidence, the clinical significance of this alteration remains unclear.

Natera, Inc.
Classification: Uncertain significance for Nemaline myopathy type 2. Last evaluated: 2020-02-26. Review status: no assertion criteria provided. Collection method: clinical testing. Allele origin: germline. Not counted in ClinVar's aggregate classification.